The following is an entry in ClinVar:

ClinVar aggregate classification (germline): Uncertain significance (1 of 4 stars; one submission).

Submission:

Labcorp Genetics (formerly Invitae), Labcorp
Classification: Uncertain significance. Last evaluated: 2022-04-04. Review status: criteria provided, single submitter. Criteria: Invitae Variant Classification Sherloc (09022015). Collection method: clinical testing. Allele origin: germline.
Comment: This variant has not been reported in the literature in individuals affected with C5-related conditions. In summary, the available evidence is currently insufficient to determine the role of this variant in disease. Therefore, it has been classified as a Variant of Uncertain Significance. Algorithms developed to predict the effect of missense changes on protein structure and function are either unavailable or do not agree on the potential impact of this missense change (SIFT: "Deleterious"; PolyPhen-2: "Benign"; Align-GVGD: "Class C0"). This variant is not present in population databases (gnomAD no frequency). This sequence change replaces glutamine, which is neutral and polar, with arginine, which is basic and polar, at codon 586 of the C5 protein (p.Gln586Arg).

NM_001735.3(C5):c.1757A>G (p.Gln586Arg)

Gene: C5 (complement C5; minus strand). Cytogenetic location: 9q33.2.
Variant type: single nucleotide variant.
Coding change: c.1757A>G on transcript NM_001735.3 (MANE Select); coding-DNA position 1757, A replaced by G.
Protein change: p.Gln586Arg; replaces glutamine 586 with arginine.
Molecular consequence: missense variant.
Genome position (GRCh38, 1-based): chr9:121,017,471, T>C on the plus strand (A>G on the coding strand, the complement: C5 is on the minus strand). VCF-style: chr9-121017471-T-C. GRCh37 (hg19) VCF-style: chr9-123779749-T-C.
Other names: c.1775A>G, p.Gln592Arg (NM_001317163.2); c.1757A>G, p.Gln586Arg (NM_001317164.2); short protein forms Q586R, Q592R.
Identifiers: ClinVar variation 2106640 (VCV002106640.4), dbSNP rs772902957, ClinGen allele CA374748071.